The following is an entry in ClinVar:

ClinVar aggregate classification (germline): Uncertain significance (1 of 4 stars; one submission).

Allele frequency attached by ClinVar (database versions not stated): TOPMed below 0.00001; gnomAD exomes 0.00001; gnomAD 0.00002; ExAC 0.00003.
gnomAD v4.1: 11 of 1,568,698 alleles (0.0007%); highest among the groups gnomAD compares: East Asian, 0.0047%; no homozygotes.

Submission:

Labcorp Genetics (formerly Invitae), Labcorp
Classification: Uncertain significance. Last evaluated: 2024-02-24. Review status: criteria provided, single submitter. Criteria: Invitae Variant Classification Sherloc (09022015). Collection method: clinical testing. Allele origin: germline.
Comment: This sequence change replaces glycine, which is neutral and non-polar, with serine, which is neutral and polar, at codon 826 of the APC2 protein (p.Gly826Ser). The frequency data for this variant in the population databases is considered unreliable, as metrics indicate poor data quality at this position in the gnomAD database. This variant has not been reported in the literature in individuals affected with APC2-related conditions. ClinVar contains an entry for this variant (Variation ID: 1895751). An algorithm developed to predict the effect of missense changes on protein structure and function (PolyPhen-2) suggests that this variant is likely to be tolerated. In summary, the available evidence is currently insufficient to determine the role of this variant in disease. Therefore, it has been classified as a Variant of Uncertain Significance.

NM_005883.3(APC2):c.2476G>A (p.Gly826Ser)

Gene: APC2 (APC regulator of Wnt signaling pathway 2; plus strand). Cytogenetic location: 19p13.3.
Variant type: single nucleotide variant.
Coding change: c.2476G>A on transcript NM_005883.3 (MANE Select); coding-DNA position 2476, G replaced by A.
Protein change: p.Gly826Ser; replaces glycine 826 with serine.
Molecular consequence: missense variant.
Genome position (GRCh38, 1-based): chr19:1,465,777, G>A. VCF-style: chr19-1465777-G-A. GRCh37 (hg19) VCF-style: chr19-1465776-G-A.
Other names: c.2473G>A, p.Gly825Ser (NM_001351273.1); short protein forms G826S, G825S.
Identifiers: ClinVar variation 1895751 (VCV001895751.5), dbSNP rs764485552, ClinGen allele CA9045453.